The following is an entry in ClinVar:

NM_006648.4(WNK2):c.1301T>C (p.Ile434Thr)

Gene: WNK2 (WNK lysine deficient protein kinase 2; plus strand). Cytogenetic location: 9q22.31.
Variant type: single nucleotide variant.
Coding change: c.1301T>C on transcript NM_006648.4 (MANE Select); coding-DNA position 1301, T replaced by C.
Protein change: p.Ile434Thr; replaces isoleucine 434 with threonine.
Molecular consequence: missense variant.
Genome position (GRCh38, 1-based): chr9:93,238,300, T>C. VCF-style: chr9-93238300-T-C. GRCh37 (hg19) VCF-style: chr9-96000582-T-C.
Other names: c.1301T>C, p.Ile434Thr (NM_001282394.3); short protein forms I434T.
Identifiers: ClinVar variation 4826262 (VCV004826262.1).
Genomic context (GRCh38, chr9:93,238,300, plus strand): 5'-AGCCGGCCAGCTTTGAGAAAGTGCACGATCCTGAAATCAAGGAGATTATTGGGGAGTGTA[T>C]CTGCAAAAACAAGGAGGAAAGGTGAGTTCCCCTGAAGGGCTGGGTTCTGGGGTCCATCTC-3'
Protein context (NP_006639.3, residues 424-444): PEIKEIIGEC[Ile434Thr]CKNKEERYEI

ClinVar aggregate classification (germline): Uncertain significance (1 of 4 stars; one submission).

Submission:

Ambry Genetics
Classification: Uncertain significance. Last evaluated: 2026-03-14. Review status: criteria provided, single submitter. Criteria: Ambry Variant Classification Scheme 2023. Collection method: clinical testing. Allele origin: germline.
Comment: The p.I434T variant (also known as c.1301T>C), located in coding exon 5 of the WNK2 gene, results from a T to C substitution at nucleotide position 1301. The isoleucine at codon 434 is replaced by threonine, an amino acid with similar properties. This amino acid position is conserved. In addition, this alteration is predicted to be deleterious by in silico analysis. Based on the available evidence, the clinical significance of this variant remains unclear.